The following is an entry in ClinVar:

NM_007194.4(CHEK2):c.194C>G (p.Thr65Arg)

Gene: CHEK2 (checkpoint kinase 2; minus strand). Cytogenetic location: 22q12.1.
Variant type: single nucleotide variant.
Coding change: c.194C>G on transcript NM_007194.4 (MANE Select); coding-DNA position 194, C replaced by G.
Protein change: p.Thr65Arg; replaces threonine 65 with arginine.
Molecular consequence: missense variant.
Genome position (GRCh38, 1-based): chr22:28,734,528, G>C on the plus strand (C>G on the coding strand, the complement: CHEK2 is on the minus strand). VCF-style: chr22-28734528-G-C. GRCh37 (hg19) VCF-style: chr22-29130516-G-C.
Other names: c.194C>G, p.Thr65Arg (NM_001005735.3, NM_001349956.3, NM_145862.3); c.-584C>G (NM_001257387.3); short protein forms T65R.
Identifiers: ClinVar variation 220879 (VCV000220879.18), dbSNP rs864622684, ClinGen allele CA348742.

ClinVar aggregate classification (germline): Uncertain significance. Review status: criteria provided, multiple submitters, no conflicts (2 of 4 stars). 5 submissions from 5 submitters: Uncertain significance (5). Last evaluated 2026-01-19.

Conditions:
Hereditary cancer-predisposing syndrome. Also called: Hereditary neoplastic syndrome; Tumor predisposition; Hereditary Cancer Syndrome; Neoplastic Syndromes, Hereditary. Identifiers: Orphanet 140162, MedGen C0027672, MeSH D009386, MONDO:0015356.
Familial cancer of breast. Also called: hereditary breast carcinoma; Hereditary breast cancer; BREAST CANCER, FAMILIAL. Identifiers: Orphanet 227535, MedGen C0346153, MONDO:0016419, OMIM 114480. Disease mechanism: loss of function.

Allele frequency attached by ClinVar (database versions not stated): gnomAD exomes below 0.00001; TOPMed below 0.00001; gnomAD 0.00001.

Submissions (5):

Labcorp Genetics (formerly Invitae), Labcorp
Classification: Uncertain significance for Familial cancer of breast. Last evaluated: 2026-01-19. Review status: criteria provided, single submitter. Criteria: Invitae Variant Classification Sherloc (09022015). Collection method: clinical testing. Allele origin: germline.
Comment: This sequence change replaces threonine, which is neutral and polar, with arginine, which is basic and polar, at codon 65 of the CHEK2 protein (p.Thr65Arg). This variant is not present in population databases (gnomAD no frequency). This variant has not been reported in the literature in individuals affected with CHEK2-related conditions. ClinVar contains an entry for this variant (Variation ID: 220879). An algorithm developed to predict the effect of missense changes on protein structure and function (PolyPhen-2) suggests that this variant is likely to be disruptive. In summary, the available evidence is currently insufficient to determine the role of this variant in disease. Therefore, it has been classified as a Variant of Uncertain Significance.

Quest Diagnostics Nichols Institute San Juan Capistrano
Classification: Uncertain significance. Last evaluated: 2024-12-13. Review status: criteria provided, single submitter. Criteria: Quest Diagnostics criteria. Collection method: clinical testing. Allele origin: unknown.
Comment: The CHEK2 c.194C>G (p.Thr65Arg) variant has not been reported in individuals with CHEK2-related conditions in the published literature. One functional study indicated that this variant had activity comparable to the wild-type (PMID: 37449874 (2023)). The frequency of this variant in the general population (Genome Aggregation Database) is uninformative in the assessment of its pathogenicity. Based on the available information, we are unable to determine the clinical significance of this variant.

Ambry Genetics
Classification: Uncertain significance for Hereditary cancer-predisposing syndrome. Last evaluated: 2024-04-16. Review status: criteria provided, single submitter. Criteria: Ambry Variant Classification Scheme 2023. Collection method: clinical testing. Allele origin: germline.
Comment: The p.T65R variant (also known as c.194C>G), located in coding exon 1 of the CHEK2 gene, results from a C to G substitution at nucleotide position 194. The threonine at codon 65 is replaced by arginine, an amino acid with similar properties. This alteration was reported as functional in a study assessing CHEK2-complementation through quantification of KAP1 phosphorylation and CHK2 autophosphorylation in human RPE1-CHEK2-knockout cells (Stolarova L et al. Clin Cancer Res, 2023 Aug;29:3037-3050). This amino acid position is highly conserved in available vertebrate species. In addition, this alteration is predicted to be deleterious by in silico analysis. Based on the available evidence, the clinical significance of this variant remains unclear.

GeneDx
Classification: Uncertain significance. Last evaluated: 2023-06-13. Review status: criteria provided, single submitter. Criteria: GeneDx Variant Classification Process June 2021. Collection method: clinical testing. Allele origin: germline. Affected: yes.
Comment: Not observed at significant frequency in large population cohorts (gnomAD); In silico analysis supports that this missense variant has a deleterious effect on protein structure/function; Has not been previously published as pathogenic or benign to our knowledge; This variant is associated with the following publications: (PMID: 11733767, 22114986)

Color Diagnostics, LLC DBA Color Health
Classification: Uncertain significance for Hereditary cancer-predisposing syndrome. Last evaluated: 2018-07-31. Review status: criteria provided, single submitter. Criteria: ACMG Guidelines, 2015. Collection method: clinical testing. Allele origin: germline.

Literature cited by the submitters: PubMed 38153744 (cited by Quest Diagnostics Nichols Institute San Juan Capistrano); PubMed 37449874 (cited by Quest Diagnostics Nichols Institute San Juan Capistrano and Ambry Genetics).